The following is an entry in ClinVar:

ClinVar aggregate classification (germline): Uncertain significance (1 of 4 stars; one submission).

Conditions:
Hereditary cancer-predisposing syndrome. Also called: Neoplastic Syndromes, Hereditary; Tumor predisposition; Hereditary neoplastic syndrome; Hereditary Cancer Syndrome. Identifiers: Orphanet 140162, MedGen C0027672, MeSH D009386, MONDO:0015356.

Submission:

Ambry Genetics
Classification: Uncertain significance for Hereditary cancer-predisposing syndrome. Last evaluated: 2023-10-15. Review status: criteria provided, single submitter. Criteria: Ambry Variant Classification Scheme 2023. Collection method: clinical testing. Allele origin: germline.
Comment: The p.P172T variant (also known as c.514C>A), located in coding exon 6 of the POLE gene, results from a C to A substitution at nucleotide position 514. The proline at codon 172 is replaced by threonine, an amino acid with highly similar properties. This amino acid position is conserved. In addition, the in silico prediction for this alteration is inconclusive. Since supporting evidence is limited at this time, the clinical significance of this alteration remains unclear.

NM_006231.4(POLE):c.514C>A (p.Pro172Thr)

Gene: POLE (DNA polymerase epsilon, catalytic subunit; minus strand). Cytogenetic location: 12q24.33.
Variant type: single nucleotide variant.
Coding change: c.514C>A on transcript NM_006231.4 (MANE Select); coding-DNA position 514, C replaced by A.
Protein change: p.Pro172Thr; replaces proline 172 with threonine.
Molecular consequence: missense variant.
Genome position (GRCh38, 1-based): chr12:132,679,561, G>T on the plus strand (C>A on the coding strand, the complement: POLE is on the minus strand). VCF-style: chr12-132679561-G-T. GRCh37 (hg19) VCF-style: chr12-133256147-G-T.
Other names: short protein forms P172T.
Identifiers: ClinVar variation 3225473 (VCV003225473.1), dbSNP rs2542188413, ClinGen allele CA387367057.
Genomic context (GRCh38, chr12:132,679,561, plus strand): 5'-AAAGCAGAGCTGTGTACGCGTCGCTGGCGTGATCCTGCTCCCTGTTCTTCTTCACGGCAG[G>T]GGAGATCTCCTTCCTCACTTTGACAAGATCCTCCACAGTGTGGAAGGACAGCCTGATGTA-3'
Protein context (NP_006222.2, residues 162-182): DLVKVRKEIS[Pro172Thr]AVKKNREQDH